The following is an entry in ClinVar:

NM_000283.4(PDE6B):c.2353G>A (p.Glu785Lys)

Gene: PDE6B (phosphodiesterase 6B; plus strand). Cytogenetic location: 4p16.3.
Variant type: single nucleotide variant.
Coding change: c.2353G>A on transcript NM_000283.4 (MANE Select); coding-DNA position 2353, G replaced by A.
Protein change: p.Glu785Lys; replaces glutamic acid 785 with lysine.
Molecular consequence: missense variant.
Genome position (GRCh38, 1-based): chr4:667,856, G>A. VCF-style: chr4-667856-G-A. GRCh37 (hg19) VCF-style: chr4-661645-G-A.
Other names: c.2353G>A, p.Glu785Lys (NM_001145291.2); c.1516G>A, p.Glu506Lys (NM_001145292.2, NM_001350154.3, NM_001379246.1 and 1 more transcripts); c.1198G>A, p.Glu400Lys (NM_001350155.3); short protein forms E506K, E785K, E400K.
Identifiers: ClinVar variation 1501477 (VCV001501477.8), dbSNP rs1211131572, ClinGen allele CA355920379.

ClinVar aggregate classification (germline): Uncertain significance (1 of 4 stars; one submission).

Allele frequency attached by ClinVar (database versions not stated): gnomAD exomes below 0.00001.
gnomAD v4.1: 1 of 1,612,820 alleles (0.000062%); highest among the groups gnomAD compares: African/African-American, 0.0013%; no homozygotes.

Submission:

Labcorp Genetics (formerly Invitae), Labcorp
Classification: Uncertain significance. Last evaluated: 2025-04-16. Review status: criteria provided, single submitter. Criteria: Invitae Variant Classification Sherloc (09022015). Collection method: clinical testing. Allele origin: germline.
Comment: This sequence change replaces glutamic acid, which is acidic and polar, with lysine, which is basic and polar, at codon 785 of the PDE6B protein (p.Glu785Lys). This variant is present in population databases (no rsID available, gnomAD 0.006%). This variant has not been reported in the literature in individuals affected with PDE6B-related conditions. ClinVar contains an entry for this variant (Variation ID: 1501477). An algorithm developed to predict the effect of missense changes on protein structure and function (PolyPhen-2) suggests that this variant is likely to be disruptive. Algorithms developed to predict the effect of sequence changes on RNA splicing suggest that this variant may disrupt the consensus splice site. In summary, the available evidence is currently insufficient to determine the role of this variant in disease. Therefore, it has been classified as a Variant of Uncertain Significance.